The following is an entry in ClinVar:

ClinVar aggregate classification (germline): Likely benign. Review status: criteria provided, multiple submitters, no conflicts (2 of 4 stars). 3 submissions from 3 submitters: Likely benign (3). Last evaluated 2022-11-01.

Conditions:
Hypogonadotropic hypogonadism 2 with or without anosmia (HH2). Also called: HYPOGONADOTROPIC HYPOGONADISM 2 WITH OR WITHOUT ANOSMIA, SUSCEPTIBILITY TO; HYPOGONADOTROPIC HYPOGONADISM 2 WITHOUT ANOSMIA, SUSCEPTIBILITY TO; FGFR1-Related GnRH Deficiency (Kallmann Syndrome 2); HYPOGONADOTROPIC HYPOGONADISM 2 WITHOUT ANOSMIA. Identifiers: Orphanet 478, MedGen C1563720, MONDO:0007844, OMIM 147950. Disease mechanism: loss of function.
Pfeiffer syndrome (ACS5). Also called: ACS V. Identifiers: Orphanet 710, MedGen C0220658, MONDO:0007043, OMIM 101600.
Inborn genetic diseases. Identifiers: MedGen C0950123, MeSH D030342.

Allele frequency attached by ClinVar (database versions not stated): gnomAD 0.00009 and 0.00011; TOPMed 0.00009.
gnomAD v4.1: 35 of 1,613,582 alleles (0.0022%); highest among the groups gnomAD compares: African/African-American, 0.044%; no homozygotes.

Submissions (3):

Labcorp Genetics (formerly Invitae), Labcorp
Classification: Likely benign for Pfeiffer syndrome; Hypogonadotropic hypogonadism 2 with or without anosmia. Last evaluated: 2022-11-01. Review status: criteria provided, single submitter. Criteria: Invitae Variant Classification Sherloc (09022015). Collection method: clinical testing. Allele origin: germline.

Ambry Genetics
Classification: Likely benign for Inborn genetic diseases. Last evaluated: 2022-01-19. Review status: criteria provided, single submitter. Criteria: Ambry Variant Classification Scheme 2023. Collection method: clinical testing. Allele origin: germline.

GeneDx
Classification: Likely benign. Last evaluated: 2021-07-13. Review status: criteria provided, single submitter. Criteria: GeneDx Variant Classification Process June 2021. Collection method: clinical testing. Allele origin: germline. Affected: yes.
Comment: In silico analysis, which includes protein predictors and evolutionary conservation, supports that this variant does not alter protein structure/function; Has not been previously published as pathogenic or benign to our knowledge; This variant is associated with the following publications: (PMID: 27311873, 27535533)

NM_023110.3(FGFR1):c.394G>A (p.Asp132Asn)

Gene: FGFR1 (fibroblast growth factor receptor 1; minus strand). Cytogenetic location: 8p11.23.
Variant type: single nucleotide variant.
Coding change: c.394G>A on transcript NM_023110.3 (MANE Select); coding-DNA position 394, G replaced by A.
Protein change: p.Asp132Asn; replaces aspartic acid 132 with asparagine.
Molecular consequence: missense variant.
Genome position (GRCh38, 1-based): chr8:38,428,400, C>T on the plus strand (G>A on the coding strand, the complement: FGFR1 is on the minus strand). VCF-style: chr8-38428400-C-T. GRCh37 (hg19) VCF-style: chr8-38285918-C-T.
Other names: c.394G>A, p.Asp132Asn (NM_001174063.2, NM_001174065.2, NM_001354367.2 and 2 more transcripts); c.370G>A, p.Asp124Asn (NM_001174064.2); c.127G>A, p.Asp43Asn (NM_001174066.2, NM_001354368.2, NM_001354370.2 and 2 more transcripts); c.493G>A, p.Asp165Asn (NM_001174067.2); short protein forms D124N, D132N, D165N, D43N.
Identifiers: ClinVar variation 1190860 (VCV001190860.11), dbSNP rs562958780, ClinGen allele CA4718761.